The following is an entry in ClinVar:

NM_001378120.1(MBD5):c.50C>A (p.Pro17Gln)

Gene: MBD5 (methyl-CpG binding domain protein 5; plus strand). Cytogenetic location: 2q23.1.
Variant type: single nucleotide variant.
Coding change: c.50C>A on transcript NM_001378120.1 (MANE Select); coding-DNA position 50, C replaced by A.
Protein change: p.Pro17Gln; replaces proline 17 with glutamine.
Molecular consequence: missense variant.
Genome position (GRCh38, 1-based): chr2:148,458,808, C>A. VCF-style: chr2-148458808-C-A. GRCh37 (hg19) VCF-style: chr2-149216377-C-A.
Other names: c.50C>A, p.Pro17Gln (NM_018328.5); short protein forms P17Q.
Identifiers: ClinVar variation 2763152 (VCV002763152.3), dbSNP rs1706964965, ClinGen allele CA348715455.

ClinVar aggregate classification (germline): Uncertain significance (1 of 4 stars; one submission).

Conditions:
Intellectual developmental disorder, autosomal dominant 1. Also called: MBD5 Haploinsufficiency; Intellectual disability, autosomal dominant 1. Identifiers: Orphanet 228402, MedGen C1969562, MONDO:0007974, OMIM 156200.

Submission:

Labcorp Genetics (formerly Invitae), Labcorp
Classification: Uncertain significance for Intellectual developmental disorder, autosomal dominant 1. Last evaluated: 2024-09-05. Review status: criteria provided, single submitter. Criteria: Invitae Variant Classification Sherloc (09022015). Collection method: clinical testing. Allele origin: germline.
Comment: This sequence change replaces proline, which is neutral and non-polar, with glutamine, which is neutral and polar, at codon 17 of the MBD5 protein (p.Pro17Gln). This variant is not present in population databases (gnomAD no frequency). This variant has not been reported in the literature in individuals affected with MBD5-related conditions. Invitae Evidence Modeling of protein sequence and biophysical properties (such as structural, functional, and spatial information, amino acid conservation, physicochemical variation, residue mobility, and thermodynamic stability) indicates that this missense variant is not expected to disrupt MBD5 protein function with a negative predictive value of 80%. In summary, the available evidence is currently insufficient to determine the role of this variant in disease. Therefore, it has been classified as a Variant of Uncertain Significance.